The following is an entry in ClinVar:

ClinVar aggregate classification (germline): Uncertain significance (1 of 4 stars; one submission).

Submission:

GeneDx
Classification: Uncertain significance. Last evaluated: 2024-05-09. Review status: criteria provided, single submitter. Criteria: GeneDx Variant Classification Process June 2021. Collection method: clinical testing. Allele origin: germline. Affected: yes.
Comment: Not observed at significant frequency in large population cohorts (gnomAD); Has not been previously published as pathogenic or benign to our knowledge; In silico analysis is inconclusive as to whether the variant alters gene splicing. In the absence of RNA/functional studies, the actual effect of this sequence change is unknown.

NM_017775.4(TTC19):c.519+3A>G

Gene: TTC19 (tetratricopeptide repeat domain 19; plus strand). Cytogenetic location: 17p12.
Variant type: single nucleotide variant.
Coding change: c.519+3A>G on transcript NM_017775.4 (MANE Select); 3 bases into the intron after coding-DNA position 519, A replaced by G.
Molecular consequence: intron variant.
Genome position (GRCh38, 1-based): chr17:16,003,890, A>G. VCF-style: chr17-16003890-A-G. GRCh37 (hg19) VCF-style: chr17-15907204-A-G.
Other names: c.198+3A>G (NM_001271420.2).
Identifiers: ClinVar variation 3375631 (VCV003375631.1).
Genomic context (GRCh38, chr17:16,003,890, plus strand): 5'-GGCTGAACAACTTTTTAAAGCAACAATGAGTTACCTCCTTGGAGGGGGCATGAAGCAGGT[A>G]AGGACATTGCCTAGTATTGGCCCCTCACTGAAGCAGTTTTCAAAACAGTCTTGTCTCCTG-3'